The following is an entry in ClinVar:

ClinVar aggregate classification (germline): Pathogenic (1 of 4 stars; one submission).

Submission:

Labcorp Genetics (formerly Invitae), Labcorp
Classification: Pathogenic. Last evaluated: 2025-03-17. Review status: criteria provided, single submitter. Criteria: Invitae Variant Classification Sherloc (09022015). Collection method: clinical testing. Allele origin: germline.
Comment: This sequence change creates a premature translational stop signal (p.Thr1442Argfs*2) in the COL2A1 gene. While this is not anticipated to result in nonsense mediated decay, it is expected to disrupt the last 46 amino acid(s) of the COL2A1 protein. This variant is not present in population databases (gnomAD no frequency). This variant has not been reported in the literature in individuals affected with COL2A1-related conditions. ClinVar contains an entry for this variant (Variation ID: 1070686). This variant disrupts a region of the COL2A1 protein in which other variant(s) (p.Lys1444Asnfs*27) have been determined to be pathogenic (PMID: 23545312). This suggests that this is a clinically significant region of the protein, and that variants that disrupt it are likely to be disease-causing. For these reasons, this variant has been classified as Pathogenic.

Literature cited by the submitters: PubMed 23545312.

NM_001844.5(COL2A1):c.4323_4324del (p.Thr1442fs)

Gene: COL2A1 (collagen type II alpha 1 chain; minus strand). Cytogenetic location: 12q13.11.
Variant type: Deletion.
Coding change: c.4323_4324del on transcript NM_001844.5 (MANE Select); coding-DNA positions 4323 to 4324, 2 bases deleted (TA; older notation c.4323_4324delTA).
Protein change: p.Thr1442fs; shifts the reading frame from threonine 1442.
Molecular consequence: frameshift variant.
Genome position (GRCh38, 1-based): chr12:47,973,547-47,973,548, TA deleted on the plus strand (TA on the coding strand, the reverse complement: COL2A1 is on the minus strand); deleting any 2 consecutive bases within chr12:47,973,547-47,973,549 gives the same sequence; the c. name uses the placement nearest the transcript's 3' end. VCF-style (leftmost placement, unchanged base first): chr12-47973546-GTA-G. GRCh37 (hg19) VCF-style: chr12-48367329-GTA-G.
Other names: c.4116_4117del, p.Thr1373fs (NM_033150.3); short protein forms T1373fs, T1442fs.
Identifiers: ClinVar variation 1070686 (VCV001070686.9), dbSNP rs2136502670, ClinGen allele CA2499221645.
Genomic context (GRCh38, chr12:47,973,546, plus strand): 5'-ATGGGGAGGCGTGAGGTCTTCTGTGACCGGTACTCGATAACAGTCTTGCCCCACTTACCG[GTA>G]TGTTTCTAGGGGAGAAAAAAGGAGGAGGCTCTGTTCAGTAGATGCCTTGCTACCCAGTTC-3'